The following is an entry in ClinVar:

NM_000051.4(ATM):c.2266G>A (p.Ala756Thr)

Gene: ATM (ATM serine/threonine kinase; plus strand). Cytogenetic location: 11q22.3.
Variant type: single nucleotide variant.
Coding change: c.2266G>A on transcript NM_000051.4 (MANE Select); coding-DNA position 2266, G replaced by A.
Protein change: p.Ala756Thr; replaces alanine 756 with threonine.
Molecular consequence: missense variant.
Genome position (GRCh38, 1-based): chr11:108,257,496, G>A. VCF-style: chr11-108257496-G-A. GRCh37 (hg19) VCF-style: chr11-108128223-G-A.
Other names: c.2266G>A, p.Ala756Thr (NM_001351834.2); short protein forms A756T.
Identifiers: ClinVar variation 2562589 (VCV002562589.2), dbSNP rs2135405950, ClinGen allele CA382539599.

ClinVar aggregate classification (germline): Uncertain significance (1 of 4 stars; one submission).

Conditions:
Hereditary cancer-predisposing syndrome. Also called: Neoplastic Syndromes, Hereditary; Hereditary Cancer Syndrome; Hereditary neoplastic syndrome; Tumor predisposition. Identifiers: Orphanet 140162, MedGen C0027672, MeSH D009386, MONDO:0015356.

Allele frequency attached by ClinVar (database versions not stated): gnomAD exomes below 0.00001.
gnomAD v4.1: 1 of 1,613,382 alleles (0.000062%); highest among the groups gnomAD compares: Non-Finnish European, 0.000085%; no homozygotes.

Submission:

Ambry Genetics
Classification: Uncertain significance for Hereditary cancer-predisposing syndrome. Last evaluated: 2023-03-21. Review status: criteria provided, single submitter. Criteria: Ambry Variant Classification Scheme 2023. Collection method: clinical testing. Allele origin: germline.
Comment: The p.A756T variant (also known as c.2266G>A), located in coding exon 14 of the ATM gene, results from a G to A substitution at nucleotide position 2266. The alanine at codon 756 is replaced by threonine, an amino acid with similar properties. This amino acid position is well conserved in available vertebrate species. In addition, this alteration is predicted to be tolerated by in silico analysis. Since supporting evidence is limited at this time, the clinical significance of this alteration remains unclear.